The following is an entry in ClinVar:

ClinVar aggregate classification (germline): Uncertain significance (1 of 4 stars; one submission).

gnomAD v4.1: 2 of 1,606,570 alleles (0.00012%); highest among the groups gnomAD compares: African/African-American, 0.0013%; no homozygotes.

Submission:

GeneDx
Classification: Uncertain significance. Last evaluated: 2026-03-12. Review status: criteria provided, single submitter. Criteria: GeneDx Variant Classification Process June 2021. Collection method: clinical testing. Allele origin: germline.
Comment: Not observed at significant frequency in large population cohorts (gnomAD); In silico analysis suggests that this missense variant does not alter protein structure/function; Has not been previously published as pathogenic or benign to our knowledge; Reported using an alternate transcript of the gene

NM_001913.5(CUX1):c.1453C>A (p.Pro485Thr)

Gene: CUX1 (cut like homeobox 1; plus strand). Cytogenetic location: 7q22.1.
Variant type: single nucleotide variant.
Coding change: c.1453C>A on transcript NM_001913.5 (MANE Plus Clinical); coding-DNA position 1453, C replaced by A.
Protein change: p.Pro485Thr; replaces proline 485 with threonine.
Molecular consequence: missense variant.
Genome position (GRCh38, 1-based): chr7:102,275,249, C>A. VCF-style: chr7-102275249-C-A. GRCh37 (hg19) VCF-style: chr7-101918520-C-A.
Other names: c.1405C>A, p.Pro469Thr (NM_001202544.3); c.1315C>A, p.Pro439Thr (NM_001202545.3); c.1336C>A, p.Pro446Thr (NM_001202546.3); c.1447C>A, p.Pro483Thr (NM_181500.4); short protein forms P439T, P483T, P446T, P469T, P485T.
Identifiers: ClinVar variation 5009078 (VCV005009078.1).